The following is an entry in ClinVar:

NM_000108.5(DLD):c.802C>T (p.Gln268Ter)

Gene: DLD (dihydrolipoamide dehydrogenase; plus strand). Cytogenetic location: 7q31.1.
Variant type: single nucleotide variant.
Coding change: c.802C>T on transcript NM_000108.5 (MANE Select); coding-DNA position 802, C replaced by T.
Protein change: p.Gln268Ter; replaces glutamine 268 with a stop codon.
Molecular consequence: nonsense.
Genome position (GRCh38, 1-based): chr7:107,915,623, C>T. VCF-style: chr7-107915623-C-T. GRCh37 (hg19) VCF-style: chr7-107556068-C-T.
Other names: c.505C>T, p.Gln169Ter (NM_001289750.1); c.733C>T, p.Gln245Ter (NM_001289751.1); c.658C>T, p.Gln220Ter (NM_001289752.1); short protein forms Q169*, Q220*, Q245*, Q268*.
Identifiers: ClinVar variation 983931 (VCV000983931.3), dbSNP rs2032249629, ClinGen allele CA368857181.

ClinVar aggregate classification (germline): Likely pathogenic (1 of 4 stars; one submission).

Conditions:
Pyruvate dehydrogenase E3 deficiency (DLDD). Also called: Dihydrolipoamide Dehydrogenase E3 Deficiency; DLD DEFICIENCY; E3 DEFICIENCY; Dihydrolipoamide Dehydrogenase (E3) Deficiency; Lipoamide dehydrogenase deficiency; MAPLE SYRUP URINE DISEASE, TYPE III. Identifiers: Orphanet 2394, Orphanet 765, MedGen C5574660, MONDO:0009529, OMIM 246900.

Allele frequency attached by ClinVar (database versions not stated): gnomAD exomes below 0.00001.
gnomAD v4.1: 1 of 1,613,642 alleles (0.000062%); highest among the groups gnomAD compares: Non-Finnish European, 0.000085%; no homozygotes.

Submission:

Myriad Genetics, Inc.
Classification: Likely pathogenic for Pyruvate dehydrogenase E3 deficiency. Last evaluated: 2020-01-04. Review status: criteria provided, single submitter. Criteria: Myriad Women's Health Autosomal Recessive and X-Linked Classification Criteria (2019). Collection method: clinical testing. Allele origin: unknown.
Comment: NM_000108.3(DLD):c.802C>T(Q268*) is expected to be pathogenic in the context of dihydrolipoamide dehydrogenase deficiency. This variant is predicted to lead to an abnormal or absent protein product due to the creation of a premature termination codon in DLD, a gene where loss-of-function variants are known to be pathogenic. Please note: this variant was assessed in the context of healthy population screening.